The following is an entry in ClinVar:

ClinVar aggregate classification (germline): Likely pathogenic (1 of 4 stars; one submission).

Conditions:
Hereditary cancer-predisposing syndrome. Also called: Neoplastic Syndromes, Hereditary; Tumor predisposition; Hereditary Cancer Syndrome; Hereditary neoplastic syndrome. Identifiers: Orphanet 140162, MedGen C0027672, MeSH D009386, MONDO:0015356.

Submission:

Ambry Genetics
Classification: Likely pathogenic for Hereditary cancer-predisposing syndrome. Last evaluated: 2026-07-13. Review status: criteria provided, single submitter. Criteria: Ambry Variant Classification Scheme 2023. Collection method: clinical testing. Allele origin: germline.
Comment: The c.339_340insL1 likely pathogenic variant results from the insertion of an L1 element between nucleotides c.339 and c.340 in coding exon 3 of the TSC1 gene. Mobile element insertions contribute to pathogenicity by either disrupting the coding sequence or inducing aberrant splicing (Belancio VP et al. Semin. Cancer Biol. 2010 Aug;20:200-10; Deininger P et al. Genome Biol. 2011 Dec;12:236; van der Klift HM Hum Mutat. 2012 Jul;33(7):1051-5). Based on the majority of available evidence to date, this variant is likely to be pathogenic.

NM_000368.4:c.339_340insL1

Gene: TSC1 (TSC complex subunit 1; minus strand).
Variant type: Insertion.
Identifiers: ClinVar variation 5031198 (VCV005031198.1).